The following is an entry in ClinVar:

NM_005097.4(LGI1):c.504-100C>T

Gene: LGI1 (leucine rich glioma inactivated 1; plus strand). Cytogenetic location: 10q23.33.
Variant type: single nucleotide variant.
Coding change: c.504-100C>T on transcript NM_005097.4 (MANE Select); 100 bases into the intron before coding-DNA position 504, C replaced by T.
Molecular consequence: intron variant.
Genome position (GRCh38, 1-based): chr10:93,792,643, C>T. VCF-style: chr10-93792643-C-T. GRCh37 (hg19) VCF-style: chr10-95552400-C-T.
Other names: c.504-100C>T (NM_001308275.2); c.360-100C>T (NM_001308276.2).
Identifiers: ClinVar variation 675917 (VCV000675917.2), dbSNP rs75047529, ClinGen allele CA13366212.

ClinVar aggregate classification (germline): Benign. Review status: criteria provided, multiple submitters, no conflicts (2 of 4 stars). 2 submissions from 2 submitters: Benign (2). Last evaluated 2018-06-19.

Allele frequency attached by ClinVar (database versions not stated): gnomAD exomes 0.00162; 1000 Genomes Project 0.01458; 1000 Genomes Project 30x 0.01499; gnomAD 0.01633 and 0.01762; TOPMed 0.01782.
gnomAD v4.1: 4,372 of 1,258,062 alleles (0.35%); highest among the groups gnomAD compares: African/African-American, 5.5%; 95 homozygotes.

Submissions (2):

GeneDx
Classification: Benign. Last evaluated: 2018-06-19. Review status: criteria provided, single submitter. Criteria: GeneDx Variant Classification (06012015). Collection method: clinical testing. Allele origin: germline. Affected: yes.
Comment: This variant is considered likely benign or benign based on one or more of the following criteria: it is a conservative change, it occurs at a poorly conserved position in the protein, it is predicted to be benign by multiple in silico algorithms, and/or has population frequency not consistent with disease.

Breakthrough Genomics
Classification: Benign. Review status: criteria provided, single submitter. Criteria: ACMG Guidelines, 2015. Collection method: not provided. Allele origin: germline. Inheritance: Autosomal dominant inheritance. Affected: yes.